The following is an entry in ClinVar:

ClinVar aggregate classification (germline): Likely pathogenic (1 of 4 stars; one submission).

Conditions:
Junctional epidermolysis bullosa gravis of Herlitz. Also called: EPIDERMOLYSIS BULLOSA JUNCTIONALIS, HERLITZ TYPE; EPIDERMOLYSIS BULLOSA, JUNCTIONAL, HERLITZ-PEARSON TYPE; JEB-HERLITZ TYPE; EPIDERMOLYSIS BULLOSA, JUNCTIONAL 1B, SEVERE; Epidermolysis Bullosa Letalis; Herlitz-type junctional epidermolysis bullosa. Identifiers: Orphanet 79404, MedGen C0079683, MONDO:0009182, OMIM 226700.

Submission:

Myriad Genetics, Inc.
Classification: Likely pathogenic for Junctional epidermolysis bullosa gravis of Herlitz. Last evaluated: 2022-01-27. Review status: criteria provided, single submitter. Criteria: Myriad Women's Health Autosomal Recessive and X-Linked Classification Criteria (2021). Collection method: clinical testing. Allele origin: unknown.
Comment: NM_005562.2(LAMC2):c.2898delA(A967Qfs*7) is expected to be pathogenic in the context of junctional epidermolysis bullosa, LAMC2-related. This variant is predicted to lead to an abnormal or absent protein product due to the creation of a premature termination codon in LAMC2, a gene where loss-of-function variants are known to be pathogenic. Please note: this variant was assessed in the context of healthy population screening.

NM_005562.3(LAMC2):c.2898del (p.Ala967fs)

Gene: LAMC2 (laminin subunit gamma 2; plus strand). Cytogenetic location: 1q25.3.
Variant type: Deletion.
Coding change: c.2898del on transcript NM_005562.3 (MANE Select); coding-DNA position 2898, one base deleted (A; older notation c.2898delA).
Protein change: p.Ala967fs; shifts the reading frame from alanine 967.
Molecular consequence: frameshift variant.
Genome position (GRCh38, 1-based): chr1:183,239,392, A deleted; the last of 4 consecutive A bases (chr1:183,239,389-183,239,392); deleting any one gives the same sequence. VCF-style (leftmost placement, unchanged base first): chr1-183239388-GA-G. GRCh37 (hg19) VCF-style: chr1-183208523-GA-G.
Other names: c.2898del, p.Ala967fs (NM_018891.3); short protein forms A967fs.
Identifiers: ClinVar variation 1724149 (VCV001724149.2), dbSNP rs2526127239, ClinGen allele CA2580061622.